The following is an entry in ClinVar:

ClinVar aggregate classification (germline): Uncertain significance. Review status: criteria provided, multiple submitters, no conflicts (2 of 4 stars). 3 submissions from 3 submitters: Uncertain significance (2). 1 of the submissions does not count toward it. Last evaluated 2022-06-20.

Conditions:
BBS4-related disorder. Also called: BBS4-related condition.
Bardet-Biedl syndrome (BBS). Identifiers: Orphanet 110, MedGen C0752166, MONDO:0015229.

Allele frequency attached by ClinVar (database versions not stated): gnomAD exomes below 0.00001; ExAC 0.00001; gnomAD 0.00003; TOPMed 0.00003.
gnomAD v4.1: 25 of 1,614,090 alleles (0.0015%); highest among the groups gnomAD compares: Non-Finnish European, 0.002%; no homozygotes.

Submissions (3):

Labcorp Genetics (formerly Invitae), Labcorp
Classification: Uncertain significance for Bardet-Biedl syndrome. Last evaluated: 2022-06-20. Review status: criteria provided, single submitter. Criteria: Invitae Variant Classification Sherloc (09022015). Collection method: clinical testing. Allele origin: germline.
Comment: This sequence change replaces histidine, which is basic and polar, with glutamine, which is neutral and polar, at codon 325 of the BBS4 protein (p.His325Gln). This variant is present in population databases (rs769873362, gnomAD 0.004%). This variant has not been reported in the literature in individuals affected with BBS4-related conditions. ClinVar contains an entry for this variant (Variation ID: 1015730). Algorithms developed to predict the effect of missense changes on protein structure and function are either unavailable or do not agree on the potential impact of this missense change (SIFT: "Deleterious"; PolyPhen-2: "Possibly Damaging"; Align-GVGD: "Class C0"). In summary, the available evidence is currently insufficient to determine the role of this variant in disease. Therefore, it has been classified as a Variant of Uncertain Significance.

GeneDx
Classification: Uncertain significance. Last evaluated: 2019-06-13. Review status: criteria provided, single submitter. Criteria: GeneDx Variant Classification Process June 2021. Collection method: clinical testing. Allele origin: germline. Affected: yes.
Comment: In silico analysis, which includes protein predictors and evolutionary conservation, supports a deleterious effect; Has not been previously published as pathogenic or benign to our knowledge

PreventionGenetics, part of Exact Sciences
Classification: Uncertain significance for BBS4-related condition. Last evaluated: 2023-12-05. Review status: no assertion criteria provided. Collection method: clinical testing. Allele origin: germline. Not counted in ClinVar's aggregate classification.
Comment: The BBS4 c.975T>A variant is predicted to result in the amino acid substitution p.His325Gln. To our knowledge, this variant has not been reported in the literature. This variant is reported in 0.0040% of alleles in individuals of African descent in gnomAD. At this time, the clinical significance of this variant is uncertain due to the absence of conclusive functional and genetic evidence.

NM_033028.5(BBS4):c.975T>A (p.His325Gln)

Gene: BBS4 (Bardet-Biedl syndrome 4; plus strand). Cytogenetic location: 15q24.1.
Variant type: single nucleotide variant.
Coding change: c.975T>A on transcript NM_033028.5 (MANE Select); coding-DNA position 975, T replaced by A.
Protein change: p.His325Gln; replaces histidine 325 with glutamine.
Molecular consequence: missense variant. On other transcripts: non-coding transcript variant (2).
Genome position (GRCh38, 1-based): chr15:72,731,665, T>A. VCF-style: chr15-72731665-T-A. GRCh37 (hg19) VCF-style: chr15-73024006-T-A.
Other names: c.459T>A, p.His153Gln (NM_001252678.2); c.906T>A, p.His302Gln (NM_001320665.2); short protein forms H153Q, H302Q, H325Q.
Identifiers: ClinVar variation 1015730 (VCV001015730.8), dbSNP rs769873362, ClinGen allele CA7646845.